The following is an entry in ClinVar:

NM_001040142.2(SCN2A):c.1147C>T (p.Gln383Ter)

Gene: SCN2A (sodium voltage-gated channel alpha subunit 2; plus strand). Cytogenetic location: 2q24.3.
Variant type: single nucleotide variant.
Coding change: c.1147C>T on transcript NM_001040142.2 (MANE Select); coding-DNA position 1147, C replaced by T.
Protein change: p.Gln383Ter; replaces glutamine 383 with a stop codon.
Molecular consequence: nonsense.
Genome position (GRCh38, 1-based): chr2:165,313,732, C>T. VCF-style: chr2-165313732-C-T. GRCh37 (hg19) VCF-style: chr2-166170242-C-T.
Other names: c.1147C>T, p.Gln383Ter (NM_001040143.2, NM_001371246.1, NM_001371247.1 and 1 more transcripts); short protein forms Q383*.
Identifiers: ClinVar variation 1403875 (VCV001403875.6), dbSNP rs796053178, ClinGen allele CA349021142.

ClinVar aggregate classification (germline): Pathogenic (1 of 4 stars; one submission).

Conditions:
Developmental and epileptic encephalopathy, 11 (DEE11). Also called: Early infantile epileptic encephalopathy 11. Identifiers: Orphanet 1934, MedGen C3150987, MONDO:0013388, OMIM 613721.
Seizures, benign familial infantile, 3 (BFIS3). Also called: CONVULSIONS, BENIGN FAMILIAL INFANTILE, 3; Familial neonatal seizures. Identifiers: Orphanet 140927, Orphanet 306, MedGen C1843140, MONDO:0011904, OMIM 607745.

Submission:

Labcorp Genetics (formerly Invitae), Labcorp
Classification: Pathogenic for Seizures, benign familial infantile, 3; Developmental and epileptic encephalopathy, 11. Last evaluated: 2020-11-03. Review status: criteria provided, single submitter. Criteria: Invitae Variant Classification Sherloc (09022015). Collection method: clinical testing. Allele origin: germline.
Comment: This sequence change creates a premature translational stop signal (p.Gln383*) in the SCN2A gene. It is expected to result in an absent or disrupted protein product. Loss-of-function variants in SCN2A are known to be pathogenic (PMID: 28379373). This variant is not present in population databases (ExAC no frequency). This variant has not been reported in the literature in individuals with SCN2A-related conditions. For these reasons, this variant has been classified as Pathogenic.

Literature cited by the submitters: PubMed 28379373.